The following is an entry in ClinVar:

ClinVar aggregate classification (germline): Likely benign (1 of 4 stars; one submission).

gnomAD v4.1: 32 of 1,614,140 alleles (0.002%); highest among the groups gnomAD compares: South Asian, 0.011%; no homozygotes.

Submission:

CeGaT Center for Human Genetics Tuebingen
Classification: Likely benign. Last evaluated: 2024-10-01. Review status: criteria provided, single submitter. Criteria: CeGaT Center For Human Genetics Tuebingen Variant Classification Criteria Version 2. Collection method: clinical testing. Allele origin: germline. Affected: yes. Observed: 1 variant allele.
Comment: FAN1: BP4, BP7

NM_014967.5(FAN1):c.1689C>T (p.Ala563=)

Gene: FAN1 (FANCD2 and FANCI associated nuclease 1; plus strand). Cytogenetic location: 15q13.3.
Variant type: single nucleotide variant.
Coding change: c.1689C>T on transcript NM_014967.5 (MANE Select); coding-DNA position 1689, C replaced by T.
Protein change: p.Ala563=; no amino-acid change (alanine 563 retained).
Molecular consequence: synonymous variant.
Genome position (GRCh38, 1-based): chr15:30,913,969, C>T. VCF-style: chr15-30913969-C-T. GRCh37 (hg19) VCF-style: chr15-31206172-C-T.
Identifiers: ClinVar variation 3389412 (VCV003389412.14).